The following is an entry in ClinVar:

ClinVar aggregate classification (germline): Uncertain significance. Review status: criteria provided, multiple submitters, no conflicts (2 of 4 stars). 3 submissions from 3 submitters: Uncertain significance (3). Last evaluated 2025-03-10.

Conditions:
Early-onset Lafora body disease. Also called: Epilepsy, progressive myoclonic, 10. Identifiers: Orphanet 324290, MedGen C4225258, MONDO:0014717, OMIM 616640.

Allele frequency attached by ClinVar (database versions not stated): ESP Exome Variant Server 0.00041; ExAC 0.00012; gnomAD 0.00027 and 0.00030; TOPMed 0.00027.
gnomAD v4.1: 731 of 1,614,108 alleles (0.045%); highest among the groups gnomAD compares: Non-Finnish European, 0.059%; no homozygotes.

Submissions (3):

Ambry Genetics
Classification: Uncertain significance. Last evaluated: 2025-03-10. Review status: criteria provided, single submitter. Criteria: Ambry Variant Classification Scheme 2023. Collection method: clinical testing. Allele origin: germline.

Labcorp Genetics (formerly Invitae), Labcorp
Classification: Uncertain significance for Early-onset Lafora body disease. Last evaluated: 2025-01-15. Review status: criteria provided, single submitter. Criteria: Invitae Variant Classification Sherloc (09022015). Collection method: clinical testing. Allele origin: germline.
Comment: This sequence change replaces glycine, which is neutral and non-polar, with alanine, which is neutral and non-polar, at codon 110 of the PRDM8 protein (p.Gly110Ala). This variant is present in population databases (rs200777615, gnomAD 0.03%). This variant has not been reported in the literature in individuals affected with PRDM8-related conditions. ClinVar contains an entry for this variant (Variation ID: 542336). Invitae Evidence Modeling of protein sequence and biophysical properties (such as structural, functional, and spatial information, amino acid conservation, physicochemical variation, residue mobility, and thermodynamic stability) indicates that this missense variant is not expected to disrupt PRDM8 protein function with a negative predictive value of 80%. In summary, the available evidence is currently insufficient to determine the role of this variant in disease. Therefore, it has been classified as a Variant of Uncertain Significance.

Breakthrough Genomics
Classification: Uncertain significance. Review status: criteria provided, single submitter. Criteria: ACMG Guidelines, 2015. Collection method: not provided. Allele origin: germline. Inheritance: Autosomal recessive inheritance. Affected: yes.

NM_001099403.2(PRDM8):c.329G>C (p.Gly110Ala)

Genes: PRDM8 (PR/SET domain 8; plus strand), LOC126807094 (CDK7 strongly-dependent group 2 enhancer GRCh37_chr4:81121978-81123177; plus strand). Cytogenetic location: 4q21.21.
Variant type: single nucleotide variant.
Coding change: c.329G>C on transcript NM_001099403.2 (MANE Select); coding-DNA position 329, G replaced by C.
Protein change: p.Gly110Ala; replaces glycine 110 with alanine.
Molecular consequence: missense variant.
Genome position (GRCh38, 1-based): chr4:80,201,399, G>C. VCF-style: chr4-80201399-G-C. GRCh37 (hg19) VCF-style: chr4-81122553-G-C.
Other names: c.329G>C, p.Gly110Ala (NM_020226.4); short protein forms G110A.
Identifiers: ClinVar variation 542336 (VCV000542336.11), dbSNP rs200777615, ClinGen allele CA2982187.